The following is an entry in ClinVar:

ClinVar aggregate classification (germline): Benign. Review status: criteria provided, multiple submitters, no conflicts (2 of 4 stars). 2 submissions from 2 submitters: Benign (2). Last evaluated 2018-06-14.

Allele frequency attached by ClinVar (database versions not stated): gnomAD exomes 0.23584 and 0.25124; ExAC 0.25802; gnomAD 0.27033 and 0.27205; ESP Exome Variant Server 0.27387; TOPMed 0.28076; 1000 Genomes Project 0.30152; 1000 Genomes Project 30x 0.30153.
gnomAD v4.1: 386,129 of 1,611,340 alleles (24%); highest among the groups gnomAD compares: African/African-American, 37%; 48,352 homozygotes.

Submissions (2):

GeneDx
Classification: Benign. Last evaluated: 2018-06-14. Review status: criteria provided, single submitter. Criteria: GeneDx Variant Classification (06012015). Collection method: clinical testing. Allele origin: germline. Affected: yes.
Comment: This variant is considered likely benign or benign based on one or more of the following criteria: it is a conservative change, it occurs at a poorly conserved position in the protein, it is predicted to be benign by multiple in silico algorithms, and/or has population frequency not consistent with disease.

PreventionGenetics, part of Exact Sciences
Classification: Benign. Review status: criteria provided, single submitter. Criteria: ACMG Guidelines, 2015. Collection method: clinical testing. Allele origin: germline.

NM_182961.4(SYNE1):c.2728-25C>T

Gene: SYNE1 (spectrin repeat containing nuclear envelope protein 1; minus strand). Cytogenetic location: 6q25.2.
Variant type: single nucleotide variant.
Coding change: c.2728-25C>T on transcript NM_182961.4 (MANE Select); 25 bases into the intron before coding-DNA position 2728, C replaced by T.
Molecular consequence: intron variant.
Genome position (GRCh38, 1-based): chr6:152,455,615, G>A on the plus strand (C>T on the coding strand, the complement: SYNE1 is on the minus strand). VCF-style: chr6-152455615-G-A. GRCh37 (hg19) VCF-style: chr6-152776750-G-A.
Other names: c.2749-25C>T (NM_033071.5).
Identifiers: ClinVar variation 262195 (VCV000262195.2), dbSNP rs214968, ClinGen allele CA4059041.